The following is an entry in ClinVar:

NM_170743.4(IFNLR1):c.306G>T (p.Thr102=)

Gene: IFNLR1 (interferon lambda receptor 1; minus strand). Cytogenetic location: 1p36.11.
Variant type: single nucleotide variant.
Coding change: c.306G>T on transcript NM_170743.4 (MANE Select); coding-DNA position 306, G replaced by T.
Protein change: p.Thr102=; no amino-acid change (threonine 102 retained).
Molecular consequence: synonymous variant.
Genome position (GRCh38, 1-based): chr1:24,169,478, C>A on the plus strand (G>T on the coding strand, the complement: IFNLR1 is on the minus strand). VCF-style: chr1-24169478-C-A. GRCh37 (hg19) VCF-style: chr1-24495968-C-A.
Other names: c.306G>T, p.Thr102= (NM_173064.3, NM_173065.3).
Identifiers: ClinVar variation 786720 (VCV000786720.6), dbSNP rs78627520, ClinGen allele CA689646.

ClinVar aggregate classification (germline): Benign. Review status: criteria provided, multiple submitters, no conflicts (2 of 4 stars). 3 submissions from 3 submitters: Benign (2). 1 of the submissions does not count toward it. Last evaluated 2018-07-31.

Conditions:
IFNLR1-related disorder. Also called: IFNLR1-related condition.

Allele frequency attached by ClinVar (database versions not stated): ESP Exome Variant Server 0.01476; gnomAD 0.01535; 1000 Genomes Project 0.01637; 1000 Genomes Project 30x 0.01686; TOPMed 0.01708.
gnomAD v4.1: 4,494 of 1,614,168 alleles (0.28%); highest among the groups gnomAD compares: African/African-American, 5.4%; 110 homozygotes.

Submissions (3):

Labcorp Genetics (formerly Invitae), Labcorp
Classification: Benign. Last evaluated: 2018-07-31. Review status: criteria provided, single submitter. Criteria: Invitae Variant Classification Sherloc (09022015). Collection method: clinical testing. Allele origin: germline.

Breakthrough Genomics
Classification: Benign. Review status: criteria provided, single submitter. Criteria: ACMG Guidelines, 2015. Collection method: not provided. Allele origin: germline. Inheritance: Unknown mechanism. Affected: yes.

PreventionGenetics, part of Exact Sciences
Classification: Benign for IFNLR1-related condition. Last evaluated: 2020-01-02. Review status: no assertion criteria provided. Collection method: clinical testing. Allele origin: germline. Not counted in ClinVar's aggregate classification.
Comment: This variant is classified as benign based on ACMG/AMP sequence variant interpretation guidelines (Richards et al. 2015 PMID: 25741868, with internal and published modifications).